The following is an entry in ClinVar:

NM_024753.5(TTC21B):c.1656_1659del (p.Leu551_Cys552insTer)

Gene: TTC21B (tetratricopeptide repeat domain 21B; minus strand). Cytogenetic location: 2q24.3.
Variant type: Deletion.
Coding change: c.1656_1659del on transcript NM_024753.5 (MANE Select); coding-DNA positions 1656 to 1659, 4 bases deleted (TCTG; older notation c.1656_1659delTCTG).
Protein change: p.Leu551_Cys552insTer.
Molecular consequence: nonsense.
Genome position (GRCh38, 1-based): chr2:165,919,291-165,919,294, CAGA deleted on the plus strand (TCTG on the coding strand, the reverse complement: TTC21B is on the minus strand); deleting any 4 consecutive bases within chr2:165,919,291-165,919,296 gives the same sequence; the c. name uses the placement nearest the transcript's 3' end. VCF-style (leftmost placement, unchanged base first): chr2-165919290-TCAGA-T. GRCh37 (hg19) VCF-style: chr2-166775800-TCAGA-T.
Other names: c.1656_1659del (NM_024753.4); c.1656_1659delTCTG (NM_024753.4, NM_024753.3).
Identifiers: ClinVar variation 1328343 (VCV001328343.9), dbSNP rs2105329247, ClinGen allele CA2573051697.

ClinVar aggregate classification (germline): Pathogenic/Likely pathogenic. Review status: criteria provided, multiple submitters, no conflicts (2 of 4 stars). 8 submissions from 8 submitters: Pathogenic (5); Likely pathogenic (1). 2 of the submissions do not count toward it. Last evaluated 2026-02-05.

Conditions:
Inborn genetic diseases. Identifiers: MedGen C0950123, MeSH D030342.
Nephronophthisis 12 (NPHP12). Identifiers: Orphanet 655, MedGen C3151186, MONDO:0013442, OMIM 613820.
Asphyxiating thoracic dystrophy 4 (SRTD4). Also called: SHORT-RIB THORACIC DYSPLASIA 4; SHORT-RIB THORACIC DYSPLASIA 4 WITH OR WITHOUT POLYDACTYLY. Identifiers: Orphanet 474, MedGen C3151185, MONDO:0013441, OMIM 613819.
TTC21B-related disorder. Also called: TTC21B-related condition; TTC21B-related disorders.

Submissions (8):

GeneDx
Classification: Pathogenic. Last evaluated: 2026-02-05. Review status: criteria provided, single submitter. Criteria: GeneDx Variant Classification Process June 2021. Collection method: clinical testing. Allele origin: germline.
Comment: Nonsense variant predicted to result in protein truncation or nonsense mediated decay in a gene for which loss of function is a known mechanism of disease; Not observed at significant frequency in large population cohorts (gnomAD); This variant is associated with the following publications: (PMID: 33323469, 21258341, 34031707, 31328266, 36273201, 36227438)

PreventionGenetics, part of Exact Sciences
Classification: Pathogenic for TTC21B-related condition. Last evaluated: 2025-04-18. Review status: criteria provided, single submitter. Criteria: ACMG Guidelines, 2015. Collection method: clinical testing. Allele origin: germline.
Comment: The TTC21B c.1656_1659delTCTG variant is predicted to result in premature protein termination (p.Cys552*). This variant in the compound heterozygous state was reported in an individual with nephronophthisis (Davis et al 2011. PubMed ID: 21258341). This variant has not been reported in gnomAD, indicating this variant is rare. Nonsense variants in TTC21B are expected to be pathogenic. This variant is interpreted as pathogenic.

Fulgent Genetics
Classification: Likely pathogenic for Asphyxiating thoracic dystrophy 4; Nephronophthisis 12. Last evaluated: 2024-04-04. Review status: criteria provided, single submitter. Criteria: ACMG Guidelines, 2015. Collection method: clinical testing. Allele origin: germline.

Ambry Genetics
Classification: Pathogenic for Inborn genetic diseases. Last evaluated: 2024-01-24. Review status: criteria provided, single submitter. Criteria: Ambry Variant Classification Scheme 2023. Collection method: clinical testing. Allele origin: germline.
Comment: The c.1656_1659delTCTG (p.C552*) alteration, located in exon 13 (coding exon 13) of the TTC21B gene, consists of a deletion of 4 nucleotides from position 1656 to 1659. This changes the amino acid from a cysteine (C) to a stop codon at amino acid position 552. This alteration is expected to result in loss of function by premature protein truncation or nonsense-mediated mRNA decay. This variant was not reported in population-based cohorts in the Genome Aggregation Database (gnomAD). This variant has been identified in conjunction with another TTC21B variant in multiple individuals with features consistent with TTC21B-related ciliopathy (Li, 2023; Chen, 2022; Chen, 2021; Rao, 2019; Davis, 2011). Based on the available evidence, this alteration is classified as pathogenic.

Blueprint Genetics
Classification: Pathogenic for TTC21B-related disorders. Last evaluated: 2021-11-11. Review status: criteria provided, single submitter. Criteria: ACMG Guidelines, 2015. Collection method: clinical testing. Allele origin: germline. Affected: yes. Observed: 2 variant alleles.

Juno Genomics, Hangzhou Juno Genomics, Inc
Classification: Pathogenic for Nephronophthisis 12. Review status: criteria provided, single submitter. Criteria: ACMG Guidelines, 2015. Collection method: clinical testing. Allele origin: germline. Affected: yes.
Comment: Null variant in a gene where loss of function (LOF) is a known mechanism of disease.;Absent from controls (or at extremely low frequency if recessive) in Genome Aggregation Database, Exome Sequencing Project, 1000 Genomes Project, or Exome Aggregation Consortium.;For recessive disorders, detected in trans with a pathogenic variant.

Clinical Genetics DNA and cytogenetics Diagnostics Lab, Erasmus MC, Erasmus Medical Center
Classification: Pathogenic. Review status: no assertion criteria provided. Collection method: clinical testing. Allele origin: germline. Affected: yes. Study: VKGL Data-share Consensus. Not counted in ClinVar's aggregate classification.

Laboratory of Diagnostic Genome Analysis, Leiden University Medical Center (LUMC)
Classification: Pathogenic. Review status: no assertion criteria provided. Collection method: clinical testing. Allele origin: germline. Affected: yes. Study: VKGL Data-share Consensus. Not counted in ClinVar's aggregate classification.

Literature cited by the submitters: PubMed 21258341 (cited by Ambry Genetics); PubMed 31328266 (cited by Ambry Genetics); PubMed 34031707 (cited by Ambry Genetics); PubMed 36227438 (cited by Ambry Genetics); PubMed 36273201 (cited by Ambry Genetics).